The following is an entry in ClinVar:

ClinVar aggregate classification (germline): Uncertain significance (1 of 4 stars; one submission).

Conditions:
Familial cold autoinflammatory syndrome 2 (FCAS2). Identifiers: Orphanet 247868, MedGen C2673198, MONDO:0012724, OMIM 611762.

Allele frequency attached by ClinVar (database versions not stated): gnomAD exomes below 0.00001; TOPMed 0.00001.
gnomAD v4.1: 2 of 1,613,990 alleles (0.00012%); highest among the groups gnomAD compares: Admixed American, 0.0033%; no homozygotes.

Submission:

Labcorp Genetics (formerly Invitae), Labcorp
Classification: Uncertain significance for Familial cold autoinflammatory syndrome 2. Last evaluated: 2025-05-12. Review status: criteria provided, single submitter. Criteria: Invitae Variant Classification Sherloc (09022015). Collection method: clinical testing. Allele origin: germline.
Comment: This sequence change replaces phenylalanine, which is neutral and non-polar, with valine, which is neutral and non-polar, at codon 77 of the NLRP12 protein (p.Phe77Val). This variant is present in population databases (no rsID available, gnomAD 0.003%). This variant has not been reported in the literature in individuals affected with NLRP12-related conditions. ClinVar contains an entry for this variant (Variation ID: 2078534). Invitae Evidence Modeling of protein sequence and biophysical properties (such as structural, functional, and spatial information, amino acid conservation, physicochemical variation, residue mobility, and thermodynamic stability) indicates that this missense variant is expected to disrupt NLRP12 protein function with a positive predictive value of 80%. In summary, the available evidence is currently insufficient to determine the role of this variant in disease. Therefore, it has been classified as a Variant of Uncertain Significance.

NM_144687.4(NLRP12):c.229T>G (p.Phe77Val)

Gene: NLRP12 (NLR family pyrin domain containing 12; minus strand). Cytogenetic location: 19q13.42.
Variant type: single nucleotide variant.
Coding change: c.229T>G on transcript NM_144687.4 (MANE Select); coding-DNA position 229, T replaced by G.
Protein change: p.Phe77Val; replaces phenylalanine 77 with valine.
Molecular consequence: missense variant.
Genome position (GRCh38, 1-based): chr19:53,823,946, A>C on the plus strand (T>G on the coding strand, the complement: NLRP12 is on the minus strand). VCF-style: chr19-53823946-A-C. GRCh37 (hg19) VCF-style: chr19-54327200-A-C.
Other names: c.229T>G, p.Phe77Val (NM_001277126.2, NM_001277129.1); short protein forms F77V.
Identifiers: ClinVar variation 2078534 (VCV002078534.4), dbSNP rs1411288372, ClinGen allele CA407419057.